The following is an entry in ClinVar:

ClinVar aggregate classification (germline): Pathogenic/Likely pathogenic. Review status: criteria provided, multiple submitters, no conflicts (2 of 4 stars). 2 submissions from 2 submitters: Pathogenic (1); Likely pathogenic (1). Last evaluated 2025-06-24.

Allele frequency attached by ClinVar (database versions not stated): gnomAD exomes 0.00001.
gnomAD v4.1: 14 of 1,610,932 alleles (0.00087%); highest among the groups gnomAD compares: Non-Finnish European, 0.0012%; no homozygotes.

Submissions (2):

GeneDx
Classification: Pathogenic. Last evaluated: 2025-06-24. Review status: criteria provided, single submitter. Criteria: GeneDx Variant Classification Process June 2021. Collection method: clinical testing. Allele origin: germline. Affected: yes.
Comment: Identified in patients with clinical features consistent with NSUN2-related neurodevelopmental disorder referred for genetic testing at GeneDx and in published literature (PMID: 35126837); Canonical splice site variant predicted to result in a null allele in a gene for which loss of function is a known mechanism of disease; Not observed at significant frequency in large population cohorts (gnomAD); This variant is associated with the following publications: (PMID: 35126837)

Labcorp Genetics (formerly Invitae), Labcorp
Classification: Likely pathogenic. Last evaluated: 2024-07-11. Review status: criteria provided, single submitter. Criteria: Invitae Variant Classification Sherloc (09022015). Collection method: clinical testing. Allele origin: germline.
Comment: This sequence change affects an acceptor splice site in intron 3 of the NSUN2 gene. It is expected to disrupt RNA splicing. Variants that disrupt the donor or acceptor splice site typically lead to a loss of protein function (PMID: 16199547), and loss-of-function variants in NSUN2 are known to be pathogenic (PMID: 22541559, 22577224). This variant is not present in population databases (gnomAD no frequency). Disruption of this splice site has been observed in individual(s) with NSUN2-related conditions (PMID: 35126837). ClinVar contains an entry for this variant (Variation ID: 1321657). Algorithms developed to predict the effect of sequence changes on RNA splicing suggest that this variant may disrupt the consensus splice site. In summary, the currently available evidence indicates that the variant is pathogenic, but additional data are needed to prove that conclusively. Therefore, this variant has been classified as Likely Pathogenic.

Literature cited by the submitters: PubMed 16199547 (cited by Labcorp Genetics (formerly Invitae), Labcorp); PubMed 22541559 (cited by Labcorp Genetics (formerly Invitae), Labcorp); PubMed 22577224 (cited by Labcorp Genetics (formerly Invitae), Labcorp); PubMed 35126837 (cited by Labcorp Genetics (formerly Invitae), Labcorp).

NM_017755.6(NSUN2):c.360-1G>C

Gene: NSUN2 (NOP2/Sun RNA methyltransferase 2; minus strand). Cytogenetic location: 5p15.31.
Variant type: single nucleotide variant.
Coding change: c.360-1G>C on transcript NM_017755.6 (MANE Select); the canonical splice acceptor site of the intron before coding-DNA position 360, G replaced by C.
Molecular consequence: splice acceptor variant.
Genome position (GRCh38, 1-based): chr5:6,625,670, C>G on the plus strand (G>C on the coding strand, the complement: NSUN2 is on the minus strand). VCF-style: chr5-6625670-C-G. GRCh37 (hg19) VCF-style: chr5-6625783-C-G.
Other names: c.255-1G>C (NM_001193455.2).
Identifiers: ClinVar variation 1321657 (VCV001321657.6), dbSNP rs2126504474, ClinGen allele CA359127860.